The following is an entry in ClinVar:

NM_019844.4(SLCO1B3):c.1136-3T>C

Genes: SLCO1B3 (solute carrier organic anion transporter family member 1B3; plus strand), SLCO1B3-SLCO1B7 (SLCO1B3-SLCO1B7 readthrough; plus strand). Cytogenetic location: 12p12.2.
Variant type: single nucleotide variant.
Coding change: c.1136-3T>C on transcript NM_019844.4 (MANE Select); 3 bases into the intron before coding-DNA position 1136, T replaced by C.
Molecular consequence: intron variant.
Genome position (GRCh38, 1-based): chr12:20,879,433, T>C. VCF-style: chr12-20879433-T-C. GRCh37 (hg19) VCF-style: chr12-21032367-T-C.
Other names: c.1052-3T>C (NM_001349920.2); c.1136-3T>C (NM_001371097.1).
Identifiers: ClinVar variation 4989593 (VCV004989593.1).
Genomic context (GRCh38, chr12:20,879,433, plus strand): 5'-AAAGACATATCAGAAAAACCATATTTGTATAATTATAGCTTTTTTCTCTTCTTTTATTTC[T>C]AGGAATCATAACCATTCCTACGGTTGCAACTGGAATGTTTTTAGGAGGATTTATCATTAA-3'

ClinVar aggregate classification (germline): Likely benign (1 of 4 stars; one submission).

Conditions:
SLCO1B3-related disorder. Also called: SLCO1B3-related condition.

gnomAD v4.1: 14 of 1,567,210 alleles (0.00089%); highest among the groups gnomAD compares: Admixed American, 0.017%; no homozygotes.

Submission:

PreventionGenetics, part of Exact Sciences
Classification: Likely benign for SLCO1B3-related condition. Last evaluated: 2024-12-12. Review status: criteria provided, single submitter. Criteria: ACMG Guidelines, 2015. Collection method: clinical testing. Allele origin: germline.
Comment: This variant is classified as likely benign based on ACMG/AMP sequence variant interpretation guidelines (Richards et al. 2015 PMID: 25741868, with internal and published modifications).